The following is an entry in ClinVar:

ClinVar aggregate classification (germline): Likely benign (1 of 4 stars; one submission).

Submission:

GeneDx
Classification: Likely benign. Last evaluated: 2017-06-06. Review status: criteria provided, single submitter. Criteria: GeneDx Variant Classification (06012015). Collection method: clinical testing. Allele origin: germline. Affected: yes.
Comment: This variant is considered likely benign or benign based on one or more of the following criteria: it is a conservative change, it occurs at a poorly conserved position in the protein, it is predicted to be benign by multiple in silico algorithms, and/or has population frequency not consistent with disease.

NM_001165963.4(SCN1A):c.3705+17A>G

Genes: SCN1A (sodium voltage-gated channel alpha subunit 1; minus strand), LOC102724058 (uncharacterized LOC102724058; plus strand). Cytogenetic location: 2q24.3.
Variant type: single nucleotide variant.
Coding change: c.3705+17A>G on transcript NM_001165963.4 (MANE Select); 17 bases into the intron after coding-DNA position 3705, A replaced by G.
Molecular consequence: intron variant.
Genome position (GRCh38, 1-based): chr2:166,013,727, T>C on the plus strand (A>G on the coding strand, the complement: SCN1A is on the minus strand). VCF-style: chr2-166013727-T-C. GRCh37 (hg19) VCF-style: chr2-166870237-T-C.
Other names: c.3672+17A>G (NM_001353949.2, NM_001353950.2, NM_001353951.2 and 2 more transcripts); c.3621+17A>G (NM_001353958.2, NM_001353957.2, NM_001165964.3); c.3705+17A>G (NM_001202435.3, NM_001353948.2); c.3669+17A>G (NM_001353955.2, NM_001353954.2); c.3618+17A>G (NM_001353960.2); c.1263+17A>G (NM_001353961.2).
Identifiers: ClinVar variation 510017 (VCV000510017.1), dbSNP rs1553532428, ClinGen allele CA658795915.